The following is an entry in ClinVar:

ClinVar aggregate classification (germline): Pathogenic/Likely pathogenic. Review status: criteria provided, multiple submitters, no conflicts (2 of 4 stars). 3 submissions from 3 submitters: Pathogenic (2); Likely pathogenic (1). Last evaluated 2024-02-12.

Conditions:
Familial adenomatous polyposis 1 (FAP1). Also called: POLYPOSIS, ADENOMATOUS INTESTINAL; FAMILIAL ADENOMATOUS POLYPOSIS 1, ATTENUATED. Identifiers: MedGen C2713442, MONDO:0021056, OMIM 175100. Disease mechanism: loss of function.

Submissions (3):

GeneDx
Classification: Likely pathogenic. Last evaluated: 2024-02-12. Review status: criteria provided, single submitter. Criteria: GeneDx Variant Classification Process June 2021. Collection method: clinical testing. Allele origin: germline. Affected: yes.
Comment: Frameshift variant predicted to result in protein truncation in a gene for which loss-of-function is a known mechanism of disease; Not observed at significant frequency in large population cohorts (gnomAD); Has not been previously published as pathogenic or benign to our knowledge; This variant is associated with the following publications: (PMID: 27081525, 9824584, 1316610, 8381579, 22135120)

Labcorp Genetics (formerly Invitae), Labcorp
Classification: Pathogenic for Familial adenomatous polyposis 1. Last evaluated: 2023-11-27. Review status: criteria provided, single submitter. Criteria: Invitae Variant Classification Sherloc (09022015). Collection method: clinical testing. Allele origin: germline.
Comment: This sequence change creates a premature translational stop signal (p.Gly2250Argfs*5) in the APC gene. While this is not anticipated to result in nonsense mediated decay, it is expected to disrupt the last 594 amino acid(s) of the APC protein. This variant is not present in population databases (gnomAD no frequency). This variant has not been reported in the literature in individuals affected with APC-related conditions. ClinVar contains an entry for this variant (Variation ID: 1452060). This variant is expected to disrupt the EB1 and HDLG binding sites, which mediate interactions with the cytoskeleton (PMID: 15311282, 17293347). While functional studies have not been performed to directly test the effect on APC protein function, this suggests that disruption of the C-terminal portion of the protein is functionally important. A different truncation (p.Tyr2645Lysfs*14) that lies downstream of this variant has been determined to be pathogenic (PMID: 9824584, 1316610, 27081525, 8381579, 22135120, Invitae). This suggests that deletion of this region of the APC protein is causative of disease. For these reasons, this variant has been classified as Pathogenic.

Myriad Genetics, Inc.
Classification: Pathogenic for Familial adenomatous polyposis 1. Last evaluated: 2023-05-16. Review status: criteria provided, single submitter. Criteria: Myriad Autosomal Dominant, Autosomal Recessive and X-Linked Classification Criteria (2023). Collection method: clinical testing. Allele origin: unknown.
Comment: This variant is considered pathogenic. This variant creates a frameshift predicted to result in premature protein truncation.

Literature cited by the submitters: PubMed 15311282 (cited by Labcorp Genetics (formerly Invitae), Labcorp); PubMed 17293347 (cited by Labcorp Genetics (formerly Invitae), Labcorp); PubMed 9824584 (cited by Labcorp Genetics (formerly Invitae), Labcorp); PubMed 1316610 (cited by Labcorp Genetics (formerly Invitae), Labcorp); PubMed 27081525 (cited by Labcorp Genetics (formerly Invitae), Labcorp); PubMed 8381579 (cited by Labcorp Genetics (formerly Invitae), Labcorp); PubMed 22135120 (cited by Labcorp Genetics (formerly Invitae), Labcorp).

NM_000038.6(APC):c.6747dup (p.Gly2250fs)

Gene: APC (APC regulator of Wnt signaling pathway; plus strand). Cytogenetic location: 5q22.2.
Variant type: Duplication.
Coding change: c.6747dup on transcript NM_000038.6 (MANE Select); coding-DNA position 6747, one base duplicated (A; older notation c.6747dupA).
Protein change: p.Gly2250fs; shifts the reading frame from glycine 2250.
Molecular consequence: frameshift variant.
Genome position (GRCh38, 1-based): chr5:112,842,341, A duplicated; the last of 6 consecutive A bases (chr5:112,842,336-112,842,341); duplicating any one gives the same sequence. VCF-style (leftmost placement, unchanged base first): chr5-112842335-T-TA. GRCh37 (hg19) VCF-style: chr5-112178032-T-TA.
Other names: c.6747dup, p.Gly2250fs (NM_001127510.3, NM_001354895.2); c.6693dup, p.Gly2232fs (NM_001127511.3); c.6801dup, p.Gly2268fs (NM_001354896.2); c.6777dup, p.Gly2260fs (NM_001354897.2); c.6672dup, p.Gly2225fs (NM_001354898.2); c.6663dup, p.Gly2222fs (NM_001354899.2); c.6624dup, p.Gly2209fs (NM_001354900.2); c.6570dup, p.Gly2191fs (NM_001354901.2); and 6 more; short protein forms G2260fs, G2124fs, G2191fs, G1967fs, G2149fs, G2209fs, G2222fs, G2090fs.
Identifiers: ClinVar variation 1452060 (VCV001452060.9), dbSNP rs773874693, ClinGen allele CA645544004.